The following is an entry in ClinVar:

NM_005228.5(EGFR):c.2886_2887insTCT (p.Arg962_Glu963insSer)

Gene: EGFR (epidermal growth factor receptor; plus strand). Cytogenetic location: 7p11.2.
Variant type: Insertion.
Coding change: c.2886_2887insTCT on transcript NM_005228.5 (MANE Select); coding-DNA positions 2886 to 2887, TCT inserted.
Protein change: p.Arg962_Glu963insSer.
Genome position: GRCh38 VCF-style: chr7-55200352-G-GTTC. GRCh37 (hg19) VCF-style: chr7-55268045-G-GTTC.
Other names: c.2751_2752insTCT, p.Arg917_Glu918insSer (NM_001346897.2, NM_001346899.2); c.2886_2887insTCT, p.Arg962_Glu963insSer (NM_001346898.2); c.2727_2728insTCT, p.Arg909_Glu910insSer (NM_001346900.2); c.2085_2086insTCT, p.Arg695_Glu696insSer (NM_001346941.2).
Identifiers: ClinVar variation 4824467 (VCV004824467.1).
Genomic context (GRCh38, chr7:55,200,352, plus strand): 5'-TGTTTTTTCTCATTCCTTCCCCAGGCTGGATGATAGACGCAGATAGTCGCCCAAAGTTCC[G>GTTC]TGAGTTGATCATCGAATTCTCCAAAATGGCCCGAGACCCCCAGCGCTACCTTGTCATTCA-3'

ClinVar aggregate classification (germline): Uncertain significance (1 of 4 stars; one submission).

Conditions:
Hereditary cancer-predisposing syndrome. Also called: Neoplastic Syndromes, Hereditary; Hereditary neoplastic syndrome; Tumor predisposition; Hereditary Cancer Syndrome. Identifiers: Orphanet 140162, MedGen C0027672, MeSH D009386, MONDO:0015356.

Submission:

Ambry Genetics
Classification: Uncertain significance for Hereditary cancer-predisposing syndrome. Last evaluated: 2026-01-30. Review status: criteria provided, single submitter. Criteria: Ambry Variant Classification Scheme 2023. Collection method: clinical testing. Allele origin: germline.
Comment: The c.2886_2887insTCT variant (also known as p.R962_E963insS), located in coding exon 24 of the EGFR gene, results from an in-frame TCT insertion at nucleotide positions 2886 to 2887. This results in the insertion of an extra serine residue between codons 962 and 963. This amino acid position is highly conserved in available vertebrate species. In addition, this variant is predicted to be deleterious by in silico analysis (Choi Y et al. PLoS ONE. 2012; 7(10):e46688). Based on the available evidence, the clinical significance of this variant remains unclear.